The following is an entry in ClinVar:

NM_002778.4(PSAP):c.94T>G (p.Trp32Gly)

Gene: PSAP (prosaposin; minus strand). Cytogenetic location: 10q22.1.
Variant type: single nucleotide variant.
Coding change: c.94T>G on transcript NM_002778.4 (MANE Select); coding-DNA position 94, T replaced by G.
Protein change: p.Trp32Gly; replaces tryptophan 32 with glycine.
Molecular consequence: missense variant.
Genome position (GRCh38, 1-based): chr10:71,834,452, A>C on the plus strand (T>G on the coding strand, the complement: PSAP is on the minus strand). VCF-style: chr10-71834452-A-C. GRCh37 (hg19) VCF-style: chr10-73594209-A-C.
Other names: c.94T>G, p.Trp32Gly (NM_001042465.3, NM_001042466.3); short protein forms W32G.
Identifiers: ClinVar variation 300535 (VCV000300535.8), dbSNP rs200008050, ClinGen allele CA5547905.

ClinVar aggregate classification (germline): Uncertain significance. Review status: criteria provided, multiple submitters, no conflicts (2 of 4 stars). 6 submissions from 3 submitters: Uncertain significance (6). Last evaluated 2024-11-11.

Conditions:
Combined PSAP deficiency (PSAPD). Also called: COMBINED SAP DEFICIENCY; PROSAPOSIN DEFICIENCY; Encephalopathy due to prosaposin deficiency. Identifiers: Orphanet 139406, MedGen C2673635, MONDO:0012719, OMIM 611721.
Gaucher disease due to saposin C deficiency. Also called: Atypical Gaucher disease due to saposin C deficiency; Saposin C Deficiency. Identifiers: Orphanet 309252, Orphanet 355, MedGen C1864651, MONDO:0012517, OMIM 610539.
Inborn genetic diseases. Identifiers: MedGen C0950123, MeSH D030342.
Krabbe disease due to saposin A deficiency. Also called: Saposin A Deficiency; KRABBE DISEASE, ATYPICAL, DUE TO SAPOSIN A DEFICIENCY. Identifiers: Orphanet 487, MedGen C2673266, MONDO:0012720, OMIM 611722.
Sphingolipid activator protein 1 deficiency. Also called: Saposin B Deficiency; METACHROMATIC LEUKODYSTROPHY DUE TO CEREBROSIDE SULFATASE ACTIVATOR DEFICIENCY; Metachromatic leukodystrophy due to saposin B deficiency. Identifiers: Orphanet 512, MedGen C0268262, MONDO:0009590, OMIM 249900.

Allele frequency attached by ClinVar (database versions not stated): ExAC 0.00001; gnomAD exomes 0.00003 and 0.00016; gnomAD 0.00009; TOPMed 0.00012.
gnomAD v4.1: 273 of 1,613,856 alleles (0.017%); highest among the groups gnomAD compares: Non-Finnish European, 0.021%; no homozygotes.

Submissions (6):

Labcorp Genetics (formerly Invitae), Labcorp
Classification: Uncertain significance for Sphingolipid activator protein 1 deficiency. Last evaluated: 2024-11-11. Review status: criteria provided, single submitter. Criteria: Invitae Variant Classification Sherloc (09022015). Collection method: clinical testing. Allele origin: germline.
Comment: This sequence change replaces tryptophan, which is neutral and slightly polar, with glycine, which is neutral and non-polar, at codon 32 of the PSAP protein (p.Trp32Gly). This variant is present in population databases (rs200008050, gnomAD 0.01%). This variant has not been reported in the literature in individuals affected with PSAP-related conditions. ClinVar contains an entry for this variant (Variation ID: 300535). Invitae Evidence Modeling of protein sequence and biophysical properties (such as structural, functional, and spatial information, amino acid conservation, physicochemical variation, residue mobility, and thermodynamic stability) has been performed for this missense variant. However, the output from this modeling did not meet the statistical confidence thresholds required to predict the impact of this variant on PSAP protein function. In summary, the available evidence is currently insufficient to determine the role of this variant in disease. Therefore, it has been classified as a Variant of Uncertain Significance.

Ambry Genetics
Classification: Uncertain significance for Inborn genetic diseases. Last evaluated: 2024-05-20. Review status: criteria provided, single submitter. Criteria: Ambry Variant Classification Scheme 2023. Collection method: clinical testing. Allele origin: germline.

Illumina Laboratory Services, Illumina
Classification: Uncertain significance for Krabbe disease due to saposin A deficiency. Last evaluated: 2018-01-12. Review status: criteria provided, single submitter. Criteria: ICSL Variant Classification Criteria 13 December 2019. Collection method: clinical testing. Allele origin: germline.

Illumina Laboratory Services, Illumina
Classification: Uncertain significance for Sphingolipid activator protein 1 deficiency. Last evaluated: 2018-01-12. Review status: criteria provided, single submitter. Criteria: ICSL Variant Classification Criteria 13 December 2019. Collection method: clinical testing. Allele origin: germline.

Illumina Laboratory Services, Illumina
Classification: Uncertain significance for Gaucher disease due to saposin C deficiency. Last evaluated: 2018-01-12. Review status: criteria provided, single submitter. Criteria: ICSL Variant Classification Criteria 13 December 2019. Collection method: clinical testing. Allele origin: germline.

Illumina Laboratory Services, Illumina
Classification: Uncertain significance for Combined PSAP deficiency. Last evaluated: 2018-01-12. Review status: criteria provided, single submitter. Criteria: ICSL Variant Classification Criteria 13 December 2019. Collection method: clinical testing. Allele origin: germline.